The following is an entry in ClinVar:

NM_003246.4(THBS1):c.34C>T (p.Leu12=)

Gene: THBS1 (thrombospondin 1; plus strand). Cytogenetic location: 15q14.
Variant type: single nucleotide variant.
Coding change: c.34C>T on transcript NM_003246.4 (MANE Select); coding-DNA position 34, C replaced by T.
Protein change: p.Leu12=; no amino-acid change (leucine 12 retained).
Molecular consequence: synonymous variant.
Genome position (GRCh38, 1-based): chr15:39,581,891, C>T. VCF-style: chr15-39581891-C-T. GRCh37 (hg19) VCF-style: chr15-39874092-C-T.
Identifiers: ClinVar variation 783705 (VCV000783705.6), dbSNP rs35248254, ClinGen allele CA7471553.

ClinVar aggregate classification (germline): Benign. Review status: criteria provided, multiple submitters, no conflicts (2 of 4 stars). 3 submissions from 3 submitters: Benign (3). Last evaluated 2025-05-05.

Conditions:
THBS1-related disorder. Also called: THBS1-related condition.

Allele frequency attached by ClinVar (database versions not stated): gnomAD exomes 0.00120 and 0.00297; ExAC 0.00358; gnomAD 0.01263 and 0.01338; ESP Exome Variant Server 0.01278; TOPMed 0.01380; 1000 Genomes Project 0.01558; 1000 Genomes Project 30x 0.01718.
gnomAD v4.1: 3,760 of 1,614,090 alleles (0.23%); highest among the groups gnomAD compares: African/African-American, 4.4%; 74 homozygotes.

Submissions (3):

PreventionGenetics, part of Exact Sciences
Classification: Benign for THBS1-related condition. Last evaluated: 2025-05-05. Review status: criteria provided, single submitter. Criteria: ACMG Guidelines, 2015. Collection method: clinical testing. Allele origin: germline.
Comment: This variant is classified as benign based on ACMG/AMP sequence variant interpretation guidelines (Richards et al. 2015 PMID: 25741868, with internal and published modifications).

Labcorp Genetics (formerly Invitae), Labcorp
Classification: Benign. Last evaluated: 2019-12-31. Review status: criteria provided, single submitter. Criteria: Invitae Variant Classification Sherloc (09022015). Collection method: clinical testing. Allele origin: germline.

Breakthrough Genomics
Classification: Benign. Review status: criteria provided, single submitter. Criteria: ACMG Guidelines, 2015. Collection method: not provided. Allele origin: germline. Inheritance: Unknown mechanism. Affected: yes.